The following is an entry in ClinVar:

ClinVar aggregate classification (germline): Likely benign. Review status: criteria provided, single submitter (1 of 4 stars). 2 submissions from 1 submitter: Likely benign (2). Last evaluated 2018-01-13.

Conditions:
Hypophosphatemic rickets, autosomal recessive, 2 (ARHR2). Identifiers: Orphanet 289176, MedGen C2750078, MONDO:0013219, OMIM 613312.
Arterial calcification, generalized, of infancy, 1 (GACI1). Also called: Idiopathic Infantile Arterial Calcification. Identifiers: Orphanet 51608, MedGen C4551985, MONDO:0008817, OMIM 208000.

Allele frequency attached by ClinVar (database versions not stated): TOPMed 0.00045; gnomAD exomes 0.00080; 1000 Genomes Project 0.00180; 1000 Genomes Project 30x 0.00187.
gnomAD v4.1: 538 of 702,836 alleles (0.077%); highest among the groups gnomAD compares: Middle Eastern, 0.34%; 1 homozygote.

Submissions (2):

Illumina Laboratory Services, Illumina
Classification: Likely benign for Arterial calcification, generalized, of infancy, 1. Last evaluated: 2018-01-13. Review status: criteria provided, single submitter. Criteria: ICSL Variant Classification Criteria 13 December 2019. Collection method: clinical testing. Allele origin: germline.
Comment: This variant was observed in the ICSL laboratory as part of a predisposition screen in an ostensibly healthy population. It had not been previously curated by ICSL or reported in the Human Gene Mutation Database (HGMD: prior to June 1st, 2018), and was therefore a candidate for classification through an automated scoring system. Utilizing variant allele frequency, disease prevalence and penetrance estimates, and inheritance mode, an automated score was calculated to assess if this variant is too frequent to cause the disease. Based on the score and internal cut-off values, a variant classified as likely benign is not then subjected to further curation. The score for this variant resulted in a classification of likely benign for this disease.

Illumina Laboratory Services, Illumina
Classification: Likely benign for Hypophosphatemic rickets, autosomal recessive, 2. Last evaluated: 2018-01-13. Review status: criteria provided, single submitter. Criteria: ICSL Variant Classification Criteria 13 December 2019. Collection method: clinical testing. Allele origin: germline.
Comment: the same text as in the submission from Illumina Laboratory Services, Illumina above.

NM_006208.3(ENPP1):c.*150G>A

Gene: ENPP1 (ectonucleotide pyrophosphatase/phosphodiesterase 1; plus strand). Cytogenetic location: 6q23.2.
Variant type: single nucleotide variant.
Coding change: c.*150G>A on transcript NM_006208.3 (MANE Select); 150 bases downstream of the stop codon, G replaced by A.
Molecular consequence: 3 prime UTR variant.
Genome position (GRCh38, 1-based): chr6:131,890,661, G>A. VCF-style: chr6-131890661-G-A. GRCh37 (hg19) VCF-style: chr6-132211801-G-A.
Identifiers: ClinVar variation 904143 (VCV000904143.4), dbSNP rs571779819, ClinGen allele CA147908828.